The following is an entry in ClinVar:

NM_000518.5(HBB):c.316-19T>A

Genes: HBB (hemoglobin subunit beta; minus strand), LOC107133510 (origin of replication at HBB; plus strand), LOC110006319 (beta-globin gene 3' regulatory region; plus strand). Cytogenetic location: 11p15.4.
Variant type: single nucleotide variant.
Coding change: c.316-19T>A on transcript NM_000518.5 (MANE Select); 19 bases into the intron before coding-DNA position 316, T replaced by A.
Molecular consequence: intron variant.
Genome position (GRCh38, 1-based): chr11:5,225,745, A>T on the plus strand (T>A on the coding strand, the complement: HBB is on the minus strand). VCF-style: chr11-5225745-A-T. GRCh37 (hg19) VCF-style: chr11-5246975-A-T.
Identifiers: ClinVar variation 495993 (VCV000495993.27), dbSNP rs191535077, ClinGen allele CA5839715.
Genomic context (GRCh38, chr11:5,225,745, plus strand): 5'-AAAGTGATGGGCCAGCACACAGACCAGCACGTTGCCCAGGAGCTGTGGGAGGAAGATAAG[A>T]GGTATGAACATGATTAGCAAAAGGGCCTAGCTTGGACTCAGAATAATCCAGCCTTATCCC-3'

ClinVar aggregate classification (germline): Conflicting classifications of pathogenicity. Review status: criteria provided, conflicting classifications (1 of 4 stars). 4 submissions from 4 submitters: Uncertain significance (1); Likely benign (3). Last evaluated 2026-02-04.

Allele frequency attached by ClinVar (database versions not stated): 1000 Genomes Project 30x 0.00016; 1000 Genomes Project 0.00020; gnomAD exomes 0.00022 and 0.00036; TOPMed 0.00023; gnomAD 0.00025 and 0.00027; ExAC 0.00026; ESP Exome Variant Server 0.00038.
gnomAD v4.1: 565 of 1,613,658 alleles (0.035%); highest among the groups gnomAD compares: Non-Finnish European, 0.045%; no homozygotes.

Submissions (4):

Labcorp Genetics (formerly Invitae), Labcorp
Classification: Likely benign. Last evaluated: 2026-02-04. Review status: criteria provided, single submitter. Criteria: Invitae Variant Classification Sherloc (09022015). Collection method: clinical testing. Allele origin: germline.

ARUP Laboratories, Molecular Genetics and Genomics, ARUP Laboratories
Classification: Likely benign. Last evaluated: 2025-03-24. Review status: criteria provided, single submitter. Criteria: ARUP Molecular Germline Variant Investigation Process 2024. Collection method: clinical testing. Allele origin: germline.

Women's Health and Genetics/Laboratory Corporation of America, LabCorp
Classification: Likely benign. Last evaluated: 2024-12-12. Review status: criteria provided, single submitter. Criteria: LabCorp Variant Classification Summary - May 2015. Collection method: clinical testing. Allele origin: germline.

Quest Diagnostics Nichols Institute San Juan Capistrano
Classification: Uncertain significance. Last evaluated: 2024-04-12. Review status: criteria provided, single submitter. Criteria: Quest Diagnostics criteria. Collection method: clinical testing. Allele origin: unknown.
Comment: The HBB c.316-19T>A variant has not been reported in individuals with HBB-related conditions in the published literature. The frequency of this variant in the general population, 0.00069 (18/26030 chromosomes (Genome Aggregation Database)), is uninformative in the assessment of its pathogenicity. Analysis of this variant using software algorithms for the prediction of the effect of nucleotide changes on splicing yielded predictions that this variant does not affect HBB mRNA splicing. Based on the available information, we are unable to determine the clinical significance of this variant.